The following is an entry in ClinVar:

NM_000138.5(FBN1):c.5051G>A (p.Gly1684Glu)

Gene: FBN1 (fibrillin 1; minus strand). Cytogenetic location: 15q21.1.
Variant type: single nucleotide variant.
Coding change: c.5051G>A on transcript NM_000138.5 (MANE Select); coding-DNA position 5051, G replaced by A.
Protein change: p.Gly1684Glu; replaces glycine 1684 with glutamic acid.
Molecular consequence: missense variant.
Genome position (GRCh38, 1-based): chr15:48,463,913, C>T on the plus strand (G>A on the coding strand, the complement: FBN1 is on the minus strand). VCF-style: chr15-48463913-C-T. GRCh37 (hg19) VCF-style: chr15-48756110-C-T.
Other names: c.5051G>A, p.Gly1684Glu (NM_001406716.1); short protein forms G1684E.
Identifiers: ClinVar variation 1915233 (VCV001915233.5), dbSNP rs1414890312, ClinGen allele CA392349607.
Genomic context (GRCh38, chr15:48,463,913, plus strand): 5'-GTAGATGAGAACCAAACATGCATTACTGAGAAAAGCTTGGACTTACCCATGCAATTATTT[C>T]CCCCATTCACTTGCATGTAGTCTGGAGGACAGATACAGGTGTAGTTGCCAACGGTGTTGT-3'
Protein context (NP_000129.3, residues 1674-1694): CPPDYMQVNG[Gly1684Glu]NNCMDMRRSL

ClinVar aggregate classification (germline): Uncertain significance (1 of 4 stars; one submission).

Conditions:
Familial thoracic aortic aneurysm and aortic dissection (TAAD). Also called: Thoracic aortic aneurysms and dissections. Identifiers: Orphanet 91387, MedGen C4707243, MONDO:0019625.
Marfan syndrome (MFS). Also called: MARFAN SYNDROME, TYPE I; Marfan syndrome type 1; Marfan's syndrome; Marfan syndrome, classic; FBN1-Related Marfan Syndrome. Identifiers: Orphanet 284963, Orphanet 558, MedGen C0024796, MONDO:0007947, OMIM 154700.

Allele frequency attached by ClinVar (database versions not stated): TOPMed below 0.00001; gnomAD 0.00001.
gnomAD v4.1: 1 of 1,613,036 alleles (0.000062%); highest among the groups gnomAD compares: Non-Finnish European, 0.000085%; no homozygotes.

Submission:

Labcorp Genetics (formerly Invitae), Labcorp
Classification: Uncertain significance for Marfan syndrome; Familial thoracic aortic aneurysm and aortic dissection. Last evaluated: 2022-01-15. Review status: criteria provided, single submitter. Criteria: Invitae Variant Classification Sherloc (09022015). Collection method: clinical testing. Allele origin: germline.
Comment: In summary, the available evidence is currently insufficient to determine the role of this variant in disease. Therefore, it has been classified as a Variant of Uncertain Significance. Advanced modeling of protein sequence and biophysical properties (such as structural, functional, and spatial information, amino acid conservation, physicochemical variation, residue mobility, and thermodynamic stability) performed at Invitae indicates that this missense variant is expected to disrupt FBN1 protein function. This variant has not been reported in the literature in individuals affected with FBN1-related conditions. This variant is not present in population databases (gnomAD no frequency). This sequence change replaces glycine, which is neutral and non-polar, with glutamic acid, which is acidic and polar, at codon 1684 of the FBN1 protein (p.Gly1684Glu).